The following is an entry in ClinVar:

NM_001211.6(BUB1B):c.2686G>C (p.Asp896His)

Genes: BUB1B (BUB1 mitotic checkpoint serine/threonine kinase B; plus strand), BUB1B-PAK6 (BUB1B-PAK6 readthrough; plus strand). Cytogenetic location: 15q15.1.
Variant type: single nucleotide variant.
Coding change: c.2686G>C on transcript NM_001211.6 (MANE Select); coding-DNA position 2686, G replaced by C.
Protein change: p.Asp896His; replaces aspartic acid 896 with histidine.
Molecular consequence: missense variant. On other transcripts: 5 prime UTR variant (2).
Genome position (GRCh38, 1-based): chr15:40,217,503, G>C. VCF-style: chr15-40217503-G-C. GRCh37 (hg19) VCF-style: chr15-40509704-G-C.
Other names: c.-365G>C (NM_001128628.3); c.-282G>C (NM_001128629.3); short protein forms D896H.
Identifiers: ClinVar variation 4868024 (VCV004868024.1).
Genomic context (GRCh38, chr15:40,217,503, plus strand): 5'-AGCTTCTTTCATGGCCTATTTTTATTATCTCCTTCTCTTAAATCTGGGCTCAGAATCCAC[G>C]ATCCCTATGATTGTAACAAGAACAATCAAGCTTTGAAGATAGTGGACTTTTCCTACAGTG-3'
Protein context (NP_001202.5, residues 886-906): RCLILRNRIH[Asp896His]PYDCNKNNQA

ClinVar aggregate classification (germline): Uncertain significance (1 of 4 stars; one submission).

Conditions:
Inborn genetic diseases. Identifiers: MedGen C0950123, MeSH D030342.

Submission:

Ambry Genetics
Classification: Uncertain significance for Inborn genetic diseases. Last evaluated: 2026-06-12. Review status: criteria provided, single submitter. Criteria: Ambry Variant Classification Scheme 2023. Collection method: clinical testing. Allele origin: germline.
Comment: The p.D896H variant (also known as c.2686G>C), located in coding exon 21 of the BUB1B gene, results from a G to C substitution at nucleotide position 2686. The aspartic acid at codon 896 is replaced by histidine, an amino acid with similar properties. This amino acid position is conserved. In addition, this alteration is predicted to be tolerated by in silico analysis. Based on the available evidence, the clinical significance of this variant remains unclear.